The following is an entry in ClinVar:

ClinVar aggregate classification (germline): Uncertain significance (1 of 4 stars; one submission).

Submission:

GeneDx
Classification: Uncertain significance. Last evaluated: 2024-04-18. Review status: criteria provided, single submitter. Criteria: GeneDx Variant Classification Process June 2021. Collection method: clinical testing. Allele origin: germline. Affected: yes.
Comment: Not observed at significant frequency in large population cohorts (gnomAD); In silico analysis supports that this missense variant has a deleterious effect on protein structure/function; Has not been previously published as pathogenic or benign to our knowledge

NM_004247.4(EFTUD2):c.1891G>C (p.Gly631Arg)

Gene: EFTUD2 (elongation factor Tu GTP binding domain containing 2; minus strand). Cytogenetic location: 17q21.31.
Variant type: single nucleotide variant.
Coding change: c.1891G>C on transcript NM_004247.4 (MANE Select); coding-DNA position 1891, G replaced by C.
Protein change: p.Gly631Arg; replaces glycine 631 with arginine.
Molecular consequence: missense variant.
Genome position (GRCh38, 1-based): chr17:44,859,151, C>G on the plus strand (G>C on the coding strand, the complement: EFTUD2 is on the minus strand). VCF-style: chr17-44859151-C-G. GRCh37 (hg19) VCF-style: chr17-42936519-C-G.
Other names: c.1786G>C, p.Gly596Arg (NM_001142605.2); c.1891G>C, p.Gly631Arg (NM_001258353.2); c.1861G>C, p.Gly621Arg (NM_001258354.2); short protein forms G596R, G621R, G631R.
Identifiers: ClinVar variation 3372798 (VCV003372798.1).